The following is an entry in ClinVar:

ClinVar aggregate classification (germline): Uncertain significance (1 of 4 stars; one submission).

Conditions:
Familial temporal lobe epilepsy 7. Identifiers: Orphanet 101046, MedGen C4225327, MONDO:0014639, OMIM 616436.
Norman-Roberts syndrome (LIS2). Also called: Lissencephaly 2 (Norman-Roberts type). Identifiers: Orphanet 89844, MedGen C0796089, MONDO:0009760, OMIM 257320.

Submission:

Labcorp Genetics (formerly Invitae), Labcorp
Classification: Uncertain significance for Familial temporal lobe epilepsy 7; Norman-Roberts syndrome. Last evaluated: 2022-07-25. Review status: criteria provided, single submitter. Criteria: Invitae Variant Classification Sherloc (09022015). Collection method: clinical testing. Allele origin: germline.
Comment: This sequence change replaces glycine, which is neutral and non-polar, with valine, which is neutral and non-polar, at codon 680 of the RELN protein (p.Gly680Val). This variant is not present in population databases (gnomAD no frequency). This variant has not been reported in the literature in individuals affected with RELN-related conditions. ClinVar contains an entry for this variant (Variation ID: 581051). Algorithms developed to predict the effect of missense changes on protein structure and function are either unavailable or do not agree on the potential impact of this missense change (SIFT: "Deleterious"; PolyPhen-2: "Probably Damaging"; Align-GVGD: "Class C0"). In summary, the available evidence is currently insufficient to determine the role of this variant in disease. Therefore, it has been classified as a Variant of Uncertain Significance.

NM_005045.4(RELN):c.2039G>T (p.Gly680Val)

Gene: RELN (reelin; minus strand). Cytogenetic location: 7q22.1.
Variant type: single nucleotide variant.
Coding change: c.2039G>T on transcript NM_005045.4 (MANE Select); coding-DNA position 2039, G replaced by T.
Protein change: p.Gly680Val; replaces glycine 680 with valine.
Molecular consequence: missense variant.
Genome position (GRCh38, 1-based): chr7:103,640,573, C>A on the plus strand (G>T on the coding strand, the complement: RELN is on the minus strand). VCF-style: chr7-103640573-C-A. GRCh37 (hg19) VCF-style: chr7-103281020-C-A.
Other names: c.2039G>T, p.Gly680Val (NM_173054.3); short protein forms G680V.
Identifiers: ClinVar variation 581051 (VCV000581051.8), dbSNP rs1562935595, ClinGen allele CA368762536.
Genomic context (GRCh38, chr7:103,640,573, plus strand): 5'-GAAGCATAAGTGTTATTTTAAGATGCTTACTTGCAACCATGTCTAGTGCACTGTCCTCTG[C>A]CAGAACAGAATTTGAGACATGACGGGCCAATATAAACTGTGGGAGGGAAAAAGAGAACAT-3'
Protein context (NP_005036.2, residues 670-690): IGPSCLKFCS[Gly680Val]RGQCTRHGCK